The following is an entry in ClinVar:

NM_001555.5(IGSF1):c.758A>G (p.Tyr253Cys)

Gene: IGSF1 (immunoglobulin superfamily member 1; minus strand). Cytogenetic location: Xq26.1.
Variant type: single nucleotide variant.
Coding change: c.758A>G on transcript NM_001555.5 (MANE Select); coding-DNA position 758, A replaced by G.
Protein change: p.Tyr253Cys; replaces tyrosine 253 with cysteine.
Molecular consequence: missense variant.
Genome position (GRCh38, 1-based): chrX:131,283,174, T>C on the plus strand (A>G on the coding strand, the complement: IGSF1 is on the minus strand). VCF-style: chrX-131283174-T-C. GRCh37 (hg19) VCF-style: chrX-130417148-T-C.
Other names: c.758A>G, p.Tyr253Cys (NM_001170961.2); c.731A>G, p.Tyr244Cys (NM_001170962.2); short protein forms Y244C, Y253C.
Identifiers: ClinVar variation 2371237 (VCV002371237.26), dbSNP rs201801732, ClinGen allele CA10518118.

ClinVar aggregate classification (germline): Likely benign. Review status: criteria provided, multiple submitters, no conflicts (2 of 4 stars). 2 submissions from 2 submitters: Likely benign (2). Last evaluated 2025-02-01.

Conditions:
Inborn genetic diseases. Identifiers: MedGen C0950123, MeSH D030342.

Allele frequency attached by ClinVar (database versions not stated): 1000 Genomes Project 30x 0.00021; TOPMed 0.00023; gnomAD exomes 0.00024; 1000 Genomes Project 0.00026; ExAC 0.00032; gnomAD 0.00033; ESP Exome Variant Server 0.00038.
gnomAD v4.1: 296 of 1,207,927 alleles (0.025%); highest among the groups gnomAD compares: Non-Finnish European, 0.03%; no homozygotes.

Submissions (2):

CeGaT Center for Human Genetics Tuebingen
Classification: Likely benign. Last evaluated: 2025-02-01. Review status: criteria provided, single submitter. Criteria: CeGaT Center For Human Genetics Tuebingen Variant Classification Criteria Version 2. Collection method: clinical testing. Allele origin: germline. Affected: yes. Observed: 4 variant alleles.
Comment: IGSF1: BS2

Ambry Genetics
Classification: Likely benign for Inborn genetic diseases. Last evaluated: 2022-06-29. Review status: criteria provided, single submitter. Criteria: Ambry Variant Classification Scheme 2023. Collection method: clinical testing. Allele origin: germline.